The following is an entry in ClinVar:

NM_000883.4(IMPDH1):c.1127A>G (p.Lys376Arg)

Gene: IMPDH1 (inosine monophosphate dehydrogenase 1; minus strand). Cytogenetic location: 7q32.1.
Variant type: single nucleotide variant.
Coding change: c.1127A>G on transcript NM_000883.4 (MANE Select); coding-DNA position 1127, A replaced by G.
Protein change: p.Lys376Arg; replaces lysine 376 with arginine.
Molecular consequence: missense variant.
Genome position (GRCh38, 1-based): chr7:128,396,970, T>C on the plus strand (A>G on the coding strand, the complement: IMPDH1 is on the minus strand). VCF-style: chr7-128396970-T-C. GRCh37 (hg19) VCF-style: chr7-128037024-T-C.
Other names: c.1097A>G, p.Lys366Arg (NM_001102605.2); c.872A>G, p.Lys291Arg (NM_001142573.2); c.857A>G, p.Lys286Arg (NM_001142574.2); c.797A>G, p.Lys266Arg (NM_001142575.2); c.1028A>G, p.Lys343Arg (NM_001142576.2); c.920A>G, p.Lys307Arg (NM_001304521.2); c.1019A>G, p.Lys340Arg (NM_183243.3); short protein forms K376R, K266R, K291R, K366R, K307R, K340R, K286R, K343R.
Identifiers: ClinVar variation 2883965 (VCV002883965.4), dbSNP rs745717521, ClinGen allele CA4470932.

ClinVar aggregate classification (germline): Uncertain significance. Review status: criteria provided, multiple submitters, no conflicts (2 of 4 stars). 2 submissions from 2 submitters: Uncertain significance (2). Last evaluated 2025-08-21.

Allele frequency attached by ClinVar (database versions not stated): ExAC 0.00001; gnomAD exomes 0.00001.

Submissions (2):

Labcorp Genetics (formerly Invitae), Labcorp
Classification: Uncertain significance. Last evaluated: 2025-08-21. Review status: criteria provided, single submitter. Criteria: Invitae Variant Classification Sherloc (09022015). Collection method: clinical testing. Allele origin: germline.
Comment: This sequence change replaces lysine, which is basic and polar, with arginine, which is basic and polar, at codon 376 of the IMPDH1 protein (p.Lys376Arg). This variant is present in population databases (rs745717521, gnomAD 0.006%). This variant has not been reported in the literature in individuals affected with IMPDH1-related conditions. ClinVar contains an entry for this variant (Variation ID: 2883965). An algorithm developed to predict the effect of missense changes on protein structure and function (PolyPhen-2) suggests that this variant is likely to be tolerated. In summary, the available evidence is currently insufficient to determine the role of this variant in disease. Therefore, it has been classified as a Variant of Uncertain Significance.

Blueprint Genetics
Classification: Uncertain significance. Last evaluated: 2021-05-26. Review status: criteria provided, single submitter. Criteria: ACMG Guidelines, 2015. Collection method: clinical testing. Allele origin: germline.